The following is an entry in ClinVar:

ClinVar aggregate classification (germline): Uncertain significance (1 of 4 stars; one submission).

Allele frequency attached by ClinVar (database versions not stated): TOPMed 0.00001.

Submission:

CeGaT Center for Human Genetics Tuebingen
Classification: Uncertain significance. Last evaluated: 2023-02-01. Review status: criteria provided, single submitter. Criteria: CeGaT Center For Human Genetics Tuebingen Variant Classification Criteria Version 2. Collection method: clinical testing. Allele origin: germline. Affected: yes. Observed: 1 variant allele.
Comment: AR: PM2

NM_000044.6(AR):c.224A>G (p.Gln75Arg)

Genes: AR (androgen receptor; plus strand), LOC109504725 (androgen receptor repeat instability region; plus strand). Cytogenetic location: Xq12.
Variant type: single nucleotide variant.
Coding change: c.224A>G on transcript NM_000044.6 (MANE Select); coding-DNA position 224, A replaced by G.
Protein change: p.Gln75Arg; replaces glutamine 75 with arginine.
Molecular consequence: missense variant. On other transcripts: 5 prime UTR variant (1).
Genome position (GRCh38, 1-based): chrX:67,545,370, A>G. VCF-style: chrX-67545370-A-G. GRCh37 (hg19) VCF-style: chrX-66765212-A-G.
Other names: c.224A>G, p.Gln75Arg (NM_001348063.1, NM_001348064.1, NM_001424175.1 and 1 more transcripts); c.-1560A>G (NM_001011645.3); short protein forms Q75R.
Identifiers: ClinVar variation 2660769 (VCV002660769.24), dbSNP rs1277515752, ClinGen allele CA413424067.